The following is an entry in ClinVar:

NM_014000.3(VCL):c.2906C>T (p.Ala969Val)

Gene: VCL (vinculin; plus strand). Cytogenetic location: 10q22.2.
Variant type: single nucleotide variant.
Coding change: c.2906C>T on transcript NM_014000.3 (MANE Select); coding-DNA position 2906, C replaced by T.
Protein change: p.Ala969Val; replaces alanine 969 with valine.
Molecular consequence: missense variant. On other transcripts: intron variant (1).
Genome position (GRCh38, 1-based): chr10:74,112,069, C>T. VCF-style: chr10-74112069-C-T. GRCh37 (hg19) VCF-style: chr10-75871827-C-T.
Other names: c.2746-2115C>T (NM_003373.4); short protein forms A969V.
Identifiers: ClinVar variation 2054177 (VCV002054177.5), dbSNP rs534101808, ClinGen allele CA5563337.

ClinVar aggregate classification (germline): Uncertain significance. Review status: criteria provided, multiple submitters, no conflicts (2 of 4 stars). 2 submissions from 2 submitters: Uncertain significance (2). Last evaluated 2024-09-27.

Conditions:
Dilated cardiomyopathy 1W (CMD1W). Identifiers: Orphanet 154, MedGen C1969639, MONDO:0012667, OMIM 611407.

Allele frequency attached by ClinVar (database versions not stated): TOPMed below 0.00001; 1000 Genomes Project 30x 0.00016; 1000 Genomes Project 0.00020.
gnomAD v4.1: 18 of 1,614,170 alleles (0.0011%); highest among the groups gnomAD compares: East Asian, 0.0045%; no homozygotes.

Submissions (2):

Labcorp Genetics (formerly Invitae), Labcorp
Classification: Uncertain significance for Dilated cardiomyopathy 1W. Last evaluated: 2024-09-27. Review status: criteria provided, single submitter. Criteria: Invitae Variant Classification Sherloc (09022015). Collection method: clinical testing. Allele origin: germline.
Comment: This sequence change replaces alanine, which is neutral and non-polar, with valine, which is neutral and non-polar, at codon 969 of the VCL protein (p.Ala969Val). This variant is present in population databases (rs534101808, gnomAD 0.007%). This variant has not been reported in the literature in individuals affected with VCL-related conditions. ClinVar contains an entry for this variant (Variation ID: 2054177). An algorithm developed to predict the effect of missense changes on protein structure and function (PolyPhen-2) suggests that this variant is likely to be tolerated. In summary, the available evidence is currently insufficient to determine the role of this variant in disease. Therefore, it has been classified as a Variant of Uncertain Significance.

GeneDx
Classification: Uncertain significance. Last evaluated: 2022-12-31. Review status: criteria provided, single submitter. Criteria: GeneDx Variant Classification Process June 2021. Collection method: clinical testing. Allele origin: germline. Affected: yes.
Comment: Not observed at significant frequency in large population cohorts (gnomAD); In silico analysis supports that this missense variant has a deleterious effect on protein structure/function; Has not been previously published as pathogenic or benign to our knowledge